The following is an entry in ClinVar:

NM_138295.5(PKD1L1):c.2606T>A (p.Val869Asp)

Gene: PKD1L1 (polycystin 1 like 1, transient receptor potential channel interacting; minus strand). Cytogenetic location: 7p12.3.
Variant type: single nucleotide variant.
Coding change: c.2606T>A on transcript NM_138295.5 (MANE Select); coding-DNA position 2606, T replaced by A.
Protein change: p.Val869Asp; replaces valine 869 with aspartic acid.
Molecular consequence: missense variant.
Genome position (GRCh38, 1-based): chr7:47,890,611, A>T on the plus strand (T>A on the coding strand, the complement: PKD1L1 is on the minus strand). VCF-style: chr7-47890611-A-T. GRCh37 (hg19) VCF-style: chr7-47930209-A-T.
Other names: short protein forms V869D.
Identifiers: ClinVar variation 3358729 (VCV003358729.1).
Genomic context (GRCh38, chr7:47,890,611, plus strand): 5'-GAGTCAGGGTAGGGGGACAGGAACACCCGGGTCTCAGAAGAGTTCCGGCCACCACTGGAG[A>T]CCCTCAGCATCACAAGGAACTGATCATAGCTGTCACTGAGCCATTGTGCCTCAAAGGAAA-3'
Protein context (NP_612152.1, residues 859-879): SYDQFLVMLR[Val869Asp]SSGGRNSSET

ClinVar aggregate classification (germline): Uncertain significance (0 of 4 stars; one submission).

Conditions:
PKD1L1-related disorder. Also called: PKD1L1-related condition.

gnomAD v4.1: 1 of 1,613,970 alleles (0.000062%); highest among the groups gnomAD compares: African/African-American, 0.0013%; no homozygotes.

Submission:

PreventionGenetics, part of Exact Sciences
Classification: Uncertain significance for PKD1L1-related condition. Last evaluated: 2024-09-04. Review status: no assertion criteria provided. Collection method: clinical testing. Allele origin: germline.
Comment: The PKD1L1 c.2606T>A variant is predicted to result in the amino acid substitution p.Val869Asp. To our knowledge, this variant has not been reported in the literature. This variant is reported in 0.011% of alleles in individuals of African descent in gnomAD. At this time, the clinical significance of this variant is uncertain due to the absence of conclusive functional and genetic evidence.